The following is an entry in ClinVar:

NM_002474.3(MYH11):c.1124A>G (p.Asn375Ser)

Gene: MYH11 (myosin heavy chain 11; minus strand). Cytogenetic location: 16p13.11.
Variant type: single nucleotide variant.
Coding change: c.1124A>G on transcript NM_002474.3 (MANE Select); coding-DNA position 1124, A replaced by G.
Protein change: p.Asn375Ser; replaces asparagine 375 with serine.
Molecular consequence: missense variant.
Genome position (GRCh38, 1-based): chr16:15,763,801, T>C on the plus strand (A>G on the coding strand, the complement: MYH11 is on the minus strand). VCF-style: chr16-15763801-T-C. GRCh37 (hg19) VCF-style: chr16-15857658-T-C.
Other names: c.1145A>G, p.Asn382Ser (NM_001040113.2, NM_001040114.2); c.1124A>G, p.Asn375Ser (NM_022844.3); short protein forms N375S, N382S.
Identifiers: ClinVar variation 926455 (VCV000926455.7), dbSNP rs1344686228, ClinGen allele CA394865110.

ClinVar aggregate classification (germline): Uncertain significance. Review status: criteria provided, multiple submitters, no conflicts (2 of 4 stars). 2 submissions from 2 submitters: Uncertain significance (2). Last evaluated 2023-12-04.

Conditions:
Familial thoracic aortic aneurysm and aortic dissection (TAAD). Also called: Thoracic aortic aneurysms and dissections. Identifiers: Orphanet 91387, MedGen C4707243, MONDO:0019625.

Allele frequency attached by ClinVar (database versions not stated): gnomAD 0.00001; TOPMed 0.00001.
gnomAD v4.1: 1 of 1,401,492 alleles (0.000071%); highest among the groups gnomAD compares: African/African-American, 0.0016%; no homozygotes.

Submissions (2):

Color Diagnostics, LLC DBA Color Health
Classification: Uncertain significance for Familial thoracic aortic aneurysm and aortic dissection. Last evaluated: 2023-12-04. Review status: criteria provided, single submitter. Criteria: ACMG Guidelines, 2015. Collection method: clinical testing. Allele origin: germline.
Comment: This missense variant replaces asparagine with serine at codon 382 of the MYH11 protein. Computational prediction tools and conservation analyses are inconclusive regarding the impact of this variant on the protein function. Computational splicing tools suggest that this variant may not impact RNA splicing. To our knowledge, functional assays have not been performed for this variant nor has this variant been reported in individuals affected with cardiovascular disorders in the literature. This variant has not been identified in the general population by the Genome Aggregation Database (gnomAD). Available evidence is insufficient to determine the role of this variant in disease conclusively. Therefore, this variant is classified as a Variant of Uncertain Significance.

Ambry Genetics
Classification: Uncertain significance for Familial thoracic aortic aneurysm and aortic dissection. Last evaluated: 2022-10-17. Review status: criteria provided, single submitter. Criteria: Ambry Variant Classification Scheme 2023. Collection method: clinical testing. Allele origin: germline.
Comment: The p.N375S variant (also known as c.1124A>G), located in coding exon 9 of the MYH11 gene, results from an A to G substitution at nucleotide position 1124. The asparagine at codon 375 is replaced by serine, an amino acid with highly similar properties. This amino acid position is conserved. In addition, this alteration is predicted to be tolerated by in silico analysis. Since supporting evidence is limited at this time, the clinical significance of this alteration remains unclear.